The following is an entry in ClinVar:

NM_002788.4(PSMA3):c.404+5G>A

Gene: PSMA3 (proteasome 20S subunit alpha 3; plus strand). Cytogenetic location: 14q23.1.
Variant type: single nucleotide variant.
Coding change: c.404+5G>A on transcript NM_002788.4 (MANE Select); 5 bases into the intron after coding-DNA position 404, G replaced by A.
Molecular consequence: intron variant.
Genome position (GRCh38, 1-based): chr14:58,258,003, G>A. VCF-style: chr14-58258003-G-A. GRCh37 (hg19) VCF-style: chr14-58724721-G-A.
Other names: c.404+5G>A (NM_152132.3).
Identifiers: ClinVar variation 4778870 (VCV004778870.1).
Genomic context (GRCh38, chr14:58,258,003, plus strand): 5'-GCCATGTATGTGCATGCATATACACTCTACAGTGCTGTTAGACCTTTTGGCTGCAGGTAA[G>A]AAATTTTGTGAATTATTCAAAAGGCAGATCTGTACTATAGATATTTATTATGTTCCCCAG-3'

ClinVar aggregate classification (germline): Uncertain significance (1 of 4 stars; one submission).

gnomAD v4.1: 2 of 1,606,234 alleles (0.00012%); highest among the groups gnomAD compares: South Asian, 0.0022%; no homozygotes.

Submission:

Labcorp Genetics (formerly Invitae), Labcorp
Classification: Uncertain significance. Last evaluated: 2025-06-22. Review status: criteria provided, single submitter. Criteria: Invitae Variant Classification Sherloc (09022015). Collection method: clinical testing. Allele origin: germline.
Comment: This sequence change falls in intron 5 of the PSMA3 gene. It does not directly change the encoded amino acid sequence of the PSMA3 protein. It affects a nucleotide within the consensus splice site. This variant is present in population databases (rs748232564, gnomAD 0.003%). This variant has not been reported in the literature in individuals affected with PSMA3-related conditions. Variants that disrupt the consensus splice site are a relatively common cause of aberrant splicing (PMID: 17576681, 9536098). Algorithms developed to predict the effect of sequence changes on RNA splicing suggest that this variant may disrupt the consensus splice site. In summary, the available evidence is currently insufficient to determine the role of this variant in disease. Therefore, it has been classified as a Variant of Uncertain Significance.

Literature cited by the submitters: PubMed 17576681; PubMed 9536098.